The following is an entry in ClinVar:

ClinVar aggregate classification (germline): Likely benign (1 of 4 stars; one submission).

Submission:

Mayo Clinic Laboratories, Mayo Clinic
Classification: Likely benign. Last evaluated: 2025-10-10. Review status: criteria provided, single submitter. Criteria: ACMG Guidelines, 2015. Collection method: clinical testing. Allele origin: germline. Observed: 1 variant allele.
Comment: BP4, BP7

NM_017617.5(NOTCH1):c.7260C>A (p.Gly2420=)

Gene: NOTCH1 (notch receptor 1; minus strand). Cytogenetic location: 9q34.3.
Variant type: single nucleotide variant.
Coding change: c.7260C>A on transcript NM_017617.5 (MANE Select); coding-DNA position 7260, C replaced by A.
Protein change: p.Gly2420=; no amino-acid change (glycine 2420 retained).
Molecular consequence: synonymous variant.
Genome position (GRCh38, 1-based): chr9:136,496,479, G>T on the plus strand (C>A on the coding strand, the complement: NOTCH1 is on the minus strand). VCF-style: chr9-136496479-G-T. GRCh37 (hg19) VCF-style: chr9-139390931-G-T.
Other names: p.Gly2420=.
Identifiers: ClinVar variation 4683469 (VCV004683469.1).